The following is an entry in ClinVar:

NM_001267550.2(TTN):c.66685del (p.Gln22229fs)

Genes: TTN (titin; minus strand), TTN-AS1 (TTN antisense RNA 1; plus strand). Cytogenetic location: 2q31.2.
Variant type: Deletion.
Coding change: c.66685del on transcript NM_001267550.2 (MANE Select); coding-DNA position 66685, one base deleted (C; older notation c.66685delC).
Protein change: p.Gln22229fs; shifts the reading frame from glutamine 22229.
Molecular consequence: frameshift variant.
Genome position (GRCh38, 1-based): chr2:178,581,583, G deleted on the plus strand (C on the coding strand, the reverse complement: TTN is on the minus strand). VCF-style (leftmost placement, unchanged base first): chr2-178581582-TG-T. GRCh37 (hg19) VCF-style: chr2-179446309-TG-T.
Other names: c.66685delC (NM_001267550.2); c.61762del, p.Gln20588fs (NM_001256850.1); c.39490del, p.Gln13164fs (NM_003319.4); c.58981del, p.Gln19661fs (NM_133378.4); c.39865del, p.Gln13289fs (NM_133432.3); c.40066del, p.Gln13356fs (NM_133437.4); short protein forms Q13164fs, Q13289fs, Q13356fs, Q19661fs, Q20588fs, Q22229fs.
Identifiers: ClinVar variation 2637117 (VCV002637117.1), dbSNP rs2468988935, ClinGen allele CA2695197004.

ClinVar aggregate classification (germline): Likely pathogenic (1 of 4 stars; one submission).

Conditions:
TTN-related disorder. Also called: TTN-related condition; TTN-related disease; TTN-related disorders.

Submission:

PreventionGenetics, part of Exact Sciences
Classification: Likely pathogenic for TTN-related condition. Last evaluated: 2022-10-01. Review status: criteria provided, single submitter. Criteria: ACMG Guidelines, 2015. Collection method: clinical testing. Allele origin: germline.
Comment: The TTN c.66685delC variant is predicted to result in a frameshift and premature protein termination (p.Gln22229Asnfs*28). To our knowledge, this variant has not been reported in the literature or in a large population database, indicating this variant is rare. This variant is located in the A-band region of the protein in which truncating TTN variants have been found more frequently in dilated cardiomyopathy patients than in controls (Herman et al. 2012. PubMed ID: 22335739). RNAseq studies from heart tissue indicate this exon is commonly included in TTN mRNA transcripts (PSI of 88-100%); however, this analysis in muscle tissue was not performed (Roberts et al. 2015. PMID: 25589632). TTN truncating variants are reported in 1-2% of presumably healthy individuals, but occur more frequently in exons with low PSI values (Roberts A.M. et al. 2015. PMID: 25589632; Herman D.S. et al. 2012. PMID: 22335739). Taken together, this variant is interpreted as likely pathogenic. Of note, TTN truncating variants show incomplete and age-dependent penetrance in regards to autosomal dominant dilated cardiomyopathy. ACMG has recommended the reporting of TTN truncating variants in highly expressed exons due to the significant risk of cardiomyopathy (see ACMG statement in Miller et al. 2021. PubMed ID: 34012068).